The following is an entry in ClinVar:

NM_006005.3(WFS1):c.1929C>G (p.Ile643Met)

Gene: WFS1 (wolframin ER transmembrane glycoprotein; plus strand). Cytogenetic location: 4p16.1.
Variant type: single nucleotide variant.
Coding change: c.1929C>G on transcript NM_006005.3 (MANE Select); coding-DNA position 1929, C replaced by G.
Protein change: p.Ile643Met; replaces isoleucine 643 with methionine.
Molecular consequence: missense variant.
Genome position (GRCh38, 1-based): chr4:6,301,724, C>G. VCF-style: chr4-6301724-C-G. GRCh37 (hg19) VCF-style: chr4-6303451-C-G.
Other names: c.1929C>G, p.Ile643Met (NM_001145853.1); short protein forms I643M.
Identifiers: ClinVar variation 2579117 (VCV002579117.5), dbSNP rs544473222, ClinGen allele CA2839550.

ClinVar aggregate classification (germline): Uncertain significance. Review status: criteria provided, multiple submitters, no conflicts (2 of 4 stars). 2 submissions from 2 submitters: Uncertain significance (2). Last evaluated 2024-11-15.

Conditions:
Diabetes. Identifiers: MedGen C1320657.

Allele frequency attached by ClinVar (database versions not stated): 1000 Genomes Project 0.00020; 1000 Genomes Project 30x 0.00031.
gnomAD v4.1: 22 of 1,614,054 alleles (0.0014%); highest among the groups gnomAD compares: South Asian, 0.022%; 1 homozygote.

Submissions (2):

Labcorp Genetics (formerly Invitae), Labcorp
Classification: Uncertain significance. Last evaluated: 2024-11-15. Review status: criteria provided, single submitter. Criteria: Invitae Variant Classification Sherloc (09022015). Collection method: clinical testing. Allele origin: germline.
Comment: This sequence change replaces isoleucine, which is neutral and non-polar, with methionine, which is neutral and non-polar, at codon 643 of the WFS1 protein (p.Ile643Met). This variant is present in population databases (rs544473222, gnomAD 0.03%). This variant has not been reported in the literature in individuals affected with WFS1-related conditions. ClinVar contains an entry for this variant (Variation ID: 2579117). Invitae Evidence Modeling of protein sequence and biophysical properties (such as structural, functional, and spatial information, amino acid conservation, physicochemical variation, residue mobility, and thermodynamic stability) indicates that this missense variant is not expected to disrupt WFS1 protein function with a negative predictive value of 95%. In summary, the available evidence is currently insufficient to determine the role of this variant in disease. Therefore, it has been classified as a Variant of Uncertain Significance.

Research and Development Department, MaiDa Gene Technology
Classification: Uncertain significance for Diabetes. Review status: criteria provided, single submitter. Criteria: ACMG Guidelines, 2015. Collection method: clinical testing. Allele origin: germline. Inheritance: Autosomal recessive inheritance. Affected: yes. Observed: 1 heterozygote.
Comment: This variant is present in population databases (gnomAD popmax filtering AF 0.0001525, PM2_supporting) , and this variant is predicted to be deleterious by computational evidence ( PP3 ) .